The following is an entry in ClinVar:

NM_001267550.2(TTN):c.48257del (p.Pro16086fs)

Genes: TTN (titin; minus strand), TTN-AS1 (TTN antisense RNA 1; plus strand). Cytogenetic location: 2q31.2.
Variant type: Deletion.
Coding change: c.48257del on transcript NM_001267550.2 (MANE Select); coding-DNA position 48257, one base deleted (C; older notation c.48257delC).
Protein change: p.Pro16086fs; shifts the reading frame from proline 16086.
Molecular consequence: frameshift variant.
Genome position (GRCh38, 1-based): chr2:178,616,534, G deleted on the plus strand (C on the coding strand, the reverse complement: TTN is on the minus strand); the first of 2 consecutive G bases (chr2:178,616,534-178,616,535); deleting either gives the same sequence. VCF-style (leftmost placement, unchanged base first): chr2-178616533-CG-C. GRCh37 (hg19) VCF-style: chr2-179481260-CG-C.
Other names: c.21062del, p.Pro7021fs (NM_003319.4); c.40553del, p.Pro13518fs (NM_133378.4); c.21437del, p.Pro7146fs (NM_133432.3); c.21638del, p.Pro7213fs (NM_133437.4); c.43334del, p.Pro14445fs (NM_001256850.1); c.21062delC (NM_003319.4); short protein forms P13518fs, P14445fs, P16086fs, P7021fs, P7146fs, P7213fs.
Identifiers: ClinVar variation 4866183 (VCV004866183.1).

ClinVar aggregate classification (germline): Likely pathogenic (1 of 4 stars; one submission).

Conditions:
Cardiovascular phenotype. Identifiers: MedGen CN230736.

Submission:

Ambry Genetics
Classification: Likely pathogenic for Cardiovascular phenotype. Last evaluated: 2026-04-09. Review status: criteria provided, single submitter. Criteria: Ambry Variant Classification Scheme 2023. Collection method: clinical testing. Allele origin: germline.
Comment: The c.21062delC variant, located in coding exon 84 of the TTN gene, results from a deletion of one nucleotide at nucleotide position 21062, causing a translational frameshift with a predicted alternate stop codon (p.P7021Rfs*2). This exon is located in the A-band region of the N2-B isoform of the titin protein and is constitutively expressed in TTN transcripts (percent spliced in or PSI 100%). This variant is expected to result in loss of function by premature protein truncation or nonsense-mediated mRNA decay. While truncating variants in TTN are present in 1-3% of the general population, truncating variants in the A-band are the most common cause of dilated cardiomyopathy (Herman DS et al. N. Engl. J. Med., 2012 Feb;366:619-28; Roberts AM et al. Sci Transl Med, 2015 Jan;7:270ra6). TTN truncating variants encoded in constitutive exons (PSI >90%) have been found to be significantly associated with DCM regardless of their position in titin (Schafer S et al. Nat. Genet., 2017 01;49:46-53; Akhtar MM et al. Circ Heart Fail, 2020 Oct;13:e006832; Massier M et al. Clin Genet, 2025 Jan). This variant is considered to be rare based on population cohorts in the Genome Aggregation Database (gnomAD). Based on the majority of available evidence to date, this variant is likely to be pathogenic.